The following is an entry in ClinVar:

ClinVar aggregate classification (germline): Uncertain significance. Review status: criteria provided, multiple submitters, no conflicts (2 of 4 stars). 2 submissions from 2 submitters: Uncertain significance (2). Last evaluated 2024-02-26.

Conditions:
Inborn genetic diseases. Identifiers: MedGen C0950123, MeSH D030342.
Primary open angle glaucoma (POAG). Also called: OPTN-related open angle glaucoma. Identifiers: MedGen C0339573, MONDO:0100553, OMIM 137760.
Glaucoma 1, open angle, E. Identifiers: MedGen C1842026, MONDO:0007665.
Amyotrophic lateral sclerosis type 12 (ALS12). Also called: AMYOTROPHIC LATERAL SCLEROSIS 12 WITH OR WITHOUT FRONTOTEMPORAL DEMENTIA. Identifiers: Orphanet 803, MedGen C3150692, MONDO:0013264, OMIM 613435.

Allele frequency attached by ClinVar (database versions not stated): gnomAD exomes below 0.00001 and 0.00001; TOPMed below 0.00001; ExAC 0.00002.
gnomAD v4.1: 2 of 1,613,908 alleles (0.00012%); highest among the groups gnomAD compares: East Asian, 0.0022%; no homozygotes.

Submissions (2):

Labcorp Genetics (formerly Invitae), Labcorp
Classification: Uncertain significance for Primary open angle glaucoma; Glaucoma 1, open angle, E; Amyotrophic lateral sclerosis type 12. Last evaluated: 2024-02-26. Review status: criteria provided, single submitter. Criteria: Invitae Variant Classification Sherloc (09022015). Collection method: clinical testing. Allele origin: germline.
Comment: This sequence change replaces histidine, which is basic and polar, with arginine, which is basic and polar, at codon 317 of the OPTN protein (p.His317Arg). This variant is present in population databases (rs747365111, gnomAD 0.006%). This variant has not been reported in the literature in individuals affected with OPTN-related conditions. ClinVar contains an entry for this variant (Variation ID: 1017441). Advanced modeling of protein sequence and biophysical properties (such as structural, functional, and spatial information, amino acid conservation, physicochemical variation, residue mobility, and thermodynamic stability) performed at Invitae indicates that this missense variant is not expected to disrupt OPTN protein function with a negative predictive value of 80%. In summary, the available evidence is currently insufficient to determine the role of this variant in disease. Therefore, it has been classified as a Variant of Uncertain Significance.

Ambry Genetics
Classification: Uncertain significance for Inborn genetic diseases. Last evaluated: 2021-07-28. Review status: criteria provided, single submitter. Criteria: Ambry Variant Classification Scheme 2023. Collection method: clinical testing. Allele origin: germline.

NM_001008212.2(OPTN):c.950A>G (p.His317Arg)

Gene: OPTN (optineurin; plus strand). Cytogenetic location: 10p13.
Variant type: single nucleotide variant.
Coding change: c.950A>G on transcript NM_001008212.2 (MANE Select); coding-DNA position 950, A replaced by G.
Protein change: p.His317Arg; replaces histidine 317 with arginine.
Molecular consequence: missense variant.
Genome position (GRCh38, 1-based): chr10:13,124,062, A>G. VCF-style: chr10-13124062-A-G. GRCh37 (hg19) VCF-style: chr10-13166062-A-G.
Other names: c.950A>G, p.His317Arg (NM_001008211.1, NM_001008213.1, NM_021980.4); short protein forms H317R.
Identifiers: ClinVar variation 1017441 (VCV001017441.10), dbSNP rs747365111, ClinGen allele CA5410814.